The following is an entry in ClinVar:

ClinVar aggregate classification (germline): Uncertain significance (1 of 4 stars; one submission).

Conditions:
Charcot-Marie-Tooth disease dominant intermediate F. Identifiers: Orphanet 352670, MedGen C4749463, MONDO:0014074, OMIM 615185.

Allele frequency attached by ClinVar (database versions not stated): TOPMed below 0.00001.

Submission:

Labcorp Genetics (formerly Invitae), Labcorp
Classification: Uncertain significance for Charcot-Marie-Tooth disease dominant intermediate F. Last evaluated: 2024-01-08. Review status: criteria provided, single submitter. Criteria: Invitae Variant Classification Sherloc (09022015). Collection method: clinical testing. Allele origin: germline.
Comment: This sequence change creates a premature translational stop signal (p.Ser161*) in the GNB4 gene. It is expected to result in an absent or disrupted protein product. However, the current clinical and genetic evidence is not sufficient to establish whether loss-of-function variants in GNB4 cause disease. This variant is present in population databases (no rsID available, gnomAD 0.002%). This variant has not been reported in the literature in individuals affected with GNB4-related conditions. This premature translational stop signal has been observed in at least one individual who was not affected with GNB4-related conditions (Invitae). ClinVar contains an entry for this variant (Variation ID: 1966287). In summary, the available evidence is currently insufficient to determine the role of this variant in disease. Therefore, it has been classified as a Variant of Uncertain Significance.

NM_021629.4(GNB4):c.482C>A (p.Ser161Ter)

Gene: GNB4 (G protein subunit beta 4; minus strand). Cytogenetic location: 3q26.33.
Variant type: single nucleotide variant.
Coding change: c.482C>A on transcript NM_021629.4 (MANE Select); coding-DNA position 482, C replaced by A.
Protein change: p.Ser161Ter; replaces serine 161 with a stop codon.
Molecular consequence: nonsense.
Genome position (GRCh38, 1-based): chr3:179,413,730, G>T on the plus strand (C>A on the coding strand, the complement: GNB4 is on the minus strand). VCF-style: chr3-179413730-G-T. GRCh37 (hg19) VCF-style: chr3-179131518-G-T.
Other names: short protein forms S161*.
Identifiers: ClinVar variation 1966287 (VCV001966287.5), dbSNP rs1477937418, ClinGen allele CA355469730.